The following is an entry in ClinVar:

ClinVar aggregate classification (germline): Conflicting classifications of pathogenicity. Review status: criteria provided, conflicting classifications (1 of 4 stars). 3 submissions from 3 submitters: Uncertain significance (2); Likely benign (1). Last evaluated 2025-10-20.

Conditions:
Familial thoracic aortic aneurysm and aortic dissection (TAAD). Also called: Thoracic aortic aneurysms and dissections. Identifiers: Orphanet 91387, MedGen C4707243, MONDO:0019625.
Congenital contractural arachnodactyly (CCA). Also called: Beals-Hecht syndrome; BEALS SYNDROME; Arthrogryposis, distal, type 9. Identifiers: Orphanet 115, MedGen C0220668, MONDO:0007363, OMIM 121050.

Allele frequency attached by ClinVar (database versions not stated): gnomAD exomes below 0.00001 and 0.00001; ExAC 0.00001; TOPMed 0.00001; ESP Exome Variant Server 0.00008.
gnomAD v4.1: 3 of 1,613,882 alleles (0.00019%); highest among the groups gnomAD compares: East Asian, 0.0022%; no homozygotes.

Submissions (3):

Ambry Genetics
Classification: Uncertain significance for Familial thoracic aortic aneurysm and aortic dissection. Last evaluated: 2025-10-20. Review status: criteria provided, single submitter. Criteria: Ambry Variant Classification Scheme 2023. Collection method: clinical testing. Allele origin: germline.
Comment: The p.E2574K variant (also known as c.7720G>A), located in coding exon 61 of the FBN2 gene, results from a G to A substitution at nucleotide position 7720. The glutamic acid at codon 2574 is replaced by lysine, an amino acid with similar properties. This amino acid position is highly conserved in available vertebrate species. In addition, this alteration is predicted to be deleterious by in silico analysis. Based on the available evidence, the clinical significance of this variant remains unclear.

Labcorp Genetics (formerly Invitae), Labcorp
Classification: Likely benign for Congenital contractural arachnodactyly. Last evaluated: 2024-08-12. Review status: criteria provided, single submitter. Criteria: Invitae Variant Classification Sherloc (09022015). Collection method: clinical testing. Allele origin: germline.

GeneDx
Classification: Uncertain significance. Last evaluated: 2024-07-15. Review status: criteria provided, single submitter. Criteria: GeneDx Variant Classification Process June 2021. Collection method: clinical testing. Allele origin: germline. Affected: yes.
Comment: Not observed at significant frequency in large population cohorts (gnomAD); In silico analysis supports that this missense variant has a deleterious effect on protein structure/function; Has not been previously published as pathogenic or benign to our knowledge; Although located in a calcium-binding EGF-like domain of the FBN2 gene, it does not substitute or introduce a cysteine residue (PMID: 19006240, 18767143); This variant is associated with the following publications: (PMID: 19006240, 18767143)

NM_001999.4(FBN2):c.7720G>A (p.Glu2574Lys)

Gene: FBN2 (fibrillin 2; minus strand). Cytogenetic location: 5q23.3.
Variant type: single nucleotide variant.
Coding change: c.7720G>A on transcript NM_001999.4 (MANE Select); coding-DNA position 7720, G replaced by A.
Protein change: p.Glu2574Lys; replaces glutamic acid 2574 with lysine.
Molecular consequence: missense variant.
Genome position (GRCh38, 1-based): chr5:128,273,960, C>T on the plus strand (G>A on the coding strand, the complement: FBN2 is on the minus strand). VCF-style: chr5-128273960-C-T. GRCh37 (hg19) VCF-style: chr5-127609652-C-T.
Other names: c.7720G>A (NM_001999.3); short protein forms E2574K.
Identifiers: ClinVar variation 1495373 (VCV001495373.8), dbSNP rs377689621, ClinGen allele CA3394028.